The following is an entry in ClinVar:

NM_020821.3(VPS13C):c.5689C>T (p.Gln1897Ter)

Gene: VPS13C (vacuolar protein sorting 13 homolog C; minus strand). Cytogenetic location: 15q22.2.
Variant type: single nucleotide variant.
Coding change: c.5689C>T on transcript NM_020821.3 (MANE Select); coding-DNA position 5689, C replaced by T.
Protein change: p.Gln1897Ter; replaces glutamine 1897 with a stop codon.
Molecular consequence: nonsense.
Genome position (GRCh38, 1-based): chr15:61,936,663, G>A on the plus strand (C>T on the coding strand, the complement: VPS13C is on the minus strand). VCF-style: chr15-61936663-G-A. GRCh37 (hg19) VCF-style: chr15-62228862-G-A.
Other names: c.5689C>T, p.Gln1897Ter (NM_001018088.3); c.5560C>T, p.Gln1854Ter (NM_017684.5, NM_018080.4); short protein forms Q1854*, Q1897*.
Identifiers: ClinVar variation 4883668 (VCV004883668.2).
Genomic context (GRCh38, chr15:61,936,663, plus strand): 5'-GATGGTCAGGTACACTTGAAACATCAACTTTTCTCACTCTTACAGTCTCCTGCACAGACT[G>A]TGTAGGGCTTGGTTGTGAGGAAGCTTCTCCAAGATTTTCTAGCAAAATTTTCATTAAAAC-3'

ClinVar aggregate classification (germline): Likely pathogenic (1 of 4 stars; one submission).

Conditions:
Autosomal recessive early-onset Parkinson disease 23. Identifiers: Orphanet 2828, MedGen C4225186, MONDO:0014796, OMIM 616840.

gnomAD v4.1: 35 of 1,613,280 alleles (0.0022%); highest among the groups gnomAD compares: East Asian, 0.0045%; no homozygotes.

Submission:

Dasa
Classification: Likely pathogenic for Autosomal recessive early-onset Parkinson disease 23. Last evaluated: 2025-07-20. Review status: criteria provided, single submitter. Criteria: DASA Assertion Criteria. Collection method: clinical testing. Allele origin: germline.
Comment: NM_020821.3(VPS13C):c.5689C>T (p.Gln1897*) is a nonsense variant in VPS13C predicted to introduce a premature termination codon and is predicted to result in an absent or altered protein product. Loss of function is an established disease mechanism for VPS13C-associated disorders. Also, this variant is rare in population databases. Based on the currently available evidence, this variant is classified as likely pathogenic.